The following is an entry in ClinVar:

NM_001377.3(DYNC2H1):c.9919-2A>T

Gene: DYNC2H1 (dynein cytoplasmic 2 heavy chain 1; plus strand). Cytogenetic location: 11q22.3.
Variant type: single nucleotide variant.
Coding change: c.9919-2A>T on transcript NM_001377.3 (MANE Select); the canonical splice acceptor site of the intron before coding-DNA position 9919, A replaced by T.
Molecular consequence: splice acceptor variant.
Genome position (GRCh38, 1-based): chr11:103,245,249, A>T. VCF-style: chr11-103245249-A-T. GRCh37 (hg19) VCF-style: chr11-103115978-A-T.
Other names: c.9940-2A>T (NM_001080463.2).
Identifiers: ClinVar variation 2842887 (VCV002842887.3), dbSNP rs2496584958, ClinGen allele CA382245574.

ClinVar aggregate classification (germline): Likely pathogenic (1 of 4 stars; one submission).

Conditions:
Jeune thoracic dystrophy. Also called: Short-rib thoracic dysplasia; Jeune syndrome; Infantile thoracic dystrophy; Thoracic pelvic phalangeal dystrophy; Jeune's syndrome; Chondroectodermal dysplasia-like syndrome. Identifiers: Orphanet 474, MedGen C0265275, MONDO:0018770.

Submission:

Labcorp Genetics (formerly Invitae), Labcorp
Classification: Likely pathogenic for Jeune thoracic dystrophy. Last evaluated: 2023-03-04. Review status: criteria provided, single submitter. Criteria: Invitae Variant Classification Sherloc (09022015). Collection method: clinical testing. Allele origin: germline.
Comment: This sequence change affects an acceptor splice site in intron 65 of the DYNC2H1 gene. It is expected to disrupt RNA splicing. Variants that disrupt the donor or acceptor splice site typically lead to a loss of protein function (PMID: 16199547), and loss-of-function variants in DYNC2H1 are known to be pathogenic (PMID: 23339108, 32753734). This variant is not present in population databases (gnomAD no frequency). This variant has not been reported in the literature in individuals affected with DYNC2H1-related conditions. Algorithms developed to predict the effect of sequence changes on RNA splicing suggest that this variant may disrupt the consensus splice site. In summary, the currently available evidence indicates that the variant is pathogenic, but additional data are needed to prove that conclusively. Therefore, this variant has been classified as Likely Pathogenic.

Literature cited by the submitters: PubMed 16199547; PubMed 23339108; PubMed 32753734.